The following is an entry in ClinVar:

ClinVar aggregate classification (germline): Benign. Review status: criteria provided, multiple submitters, no conflicts (2 of 4 stars). 15 submissions from 13 submitters: Benign (13). 2 of the submissions do not count toward it. Last evaluated 2026-09-01.

Conditions:
Hereditary cancer-predisposing syndrome. Also called: Neoplastic Syndromes, Hereditary; Tumor predisposition; Hereditary Cancer Syndrome; Hereditary neoplastic syndrome. Identifiers: Orphanet 140162, MedGen C0027672, MeSH D009386, MONDO:0015356.
Multiple endocrine neoplasia type 2B. Also called: MULTIPLE ENDOCRINE NEOPLASIA, TYPE III; MUCOSAL NEUROMA SYNDROME; MEN 2B; WAGENMANN-FROBOESE SYNDROME; Multiple endocrine neoplasia, type 3; MULTIPLE ENDOCRINE NEOPLASIA, TYPE IIB. Identifiers: Orphanet 247709, Orphanet 653, MedGen C0025269, MeSH D018814, MONDO:0008082, OMIM 162300.
Multiple endocrine neoplasia, type 2 (MEN2). Identifiers: Orphanet 653, MedGen C4048306, MONDO:0019003. Disease mechanism: gain of function.
Multiple endocrine neoplasia type 2A. Also called: MULTIPLE ENDOCRINE NEOPLASIA, TYPE IIA; PTC SYNDROME; SIPPLE SYNDROME; MEN 2A; MEN-2A syndrome; Pheochromocytoma and amyloid producing medullary thyroid carcinoma. Identifiers: Orphanet 247698, Orphanet 653, MedGen C0025268, MeSH D018813, MONDO:0008234, OMIM 171400.
Pheochromocytoma. Also called: MAX-Related Hereditary Paraganglioma-Pheochromocytoma Syndrome. Identifiers: Orphanet 29072, MedGen C0031511, MONDO:0008233, OMIM 171300, HP:0002666.

Allele frequency attached by ClinVar (database versions not stated): ExAC 0.00280; ESP Exome Variant Server 0.00938; 1000 Genomes Project 30x 0.00953; gnomAD 0.00960 and 0.01028; 1000 Genomes Project 0.00978; TOPMed 0.01051.
gnomAD v4.1: 2,806 of 1,606,072 alleles (0.17%); highest among the groups gnomAD compares: African/African-American, 3.3%; 59 homozygotes.

Submissions (15):

CeGaT Center for Human Genetics Tuebingen
Classification: Benign. Last evaluated: 2026-09-01. Review status: criteria provided, single submitter. Criteria: CeGaT Center For Human Genetics Tuebingen Variant Classification Criteria Version 2. Collection method: clinical testing. Allele origin: germline. Affected: yes. Observed: 8 variant alleles.
Comment: RET: BS1, BS2

Labcorp Genetics (formerly Invitae), Labcorp
Classification: Benign for Multiple endocrine neoplasia, type 2. Last evaluated: 2026-02-04. Review status: criteria provided, single submitter. Criteria: Invitae Variant Classification Sherloc (09022015). Collection method: clinical testing. Allele origin: germline.

KCCC/NGS Laboratory, Kuwait Cancer Control Center
Classification: Benign for Pheochromocytoma. Last evaluated: 2025-02-01. Review status: criteria provided, single submitter. Criteria: ACMG Guidelines, 2015. Collection method: clinical testing. Allele origin: germline. Affected: no.

ARUP Laboratories, Molecular Genetics and Genomics, ARUP Laboratories
Classification: Benign. Last evaluated: 2024-03-20. Review status: criteria provided, single submitter. Criteria: ARUP Molecular Germline Variant Investigation Process 2024. Collection method: clinical testing. Allele origin: germline.

KCCC/NGS Laboratory, Kuwait Cancer Control Center
Classification: Benign for Multiple endocrine neoplasia type 2B. Last evaluated: 2023-07-07. Review status: criteria provided, single submitter. Criteria: ACMG Guidelines, 2015. Collection method: clinical testing. Allele origin: germline. Affected: yes.

Myriad Genetics, Inc.
Classification: Benign for Multiple endocrine neoplasia type 2A. Last evaluated: 2023-04-18. Review status: criteria provided, single submitter. Criteria: Myriad Autosomal Dominant, Autosomal Recessive and X-Linked Classification Criteria (2023). Collection method: clinical testing. Allele origin: unknown.
Comment: This variant is considered benign. This variant is intronic and is not expected to impact mRNA splicing. This variant has been observed at a population frequency that is significantly greater than expected given the associated disease prevalence and penetrance.

Sema4
Classification: Benign for Hereditary cancer-predisposing syndrome. Last evaluated: 2020-09-01. Review status: criteria provided, single submitter. Criteria: Sema4 Curation Guidelines. Collection method: curation. Allele origin: germline.

Athena Diagnostics
Classification: Benign. Last evaluated: 2019-10-25. Review status: criteria provided, single submitter. Criteria: Athena Diagnostics Criteria. Collection method: clinical testing. Allele origin: unknown.

Eurofins Ntd Llc (ga)
Classification: Benign. Last evaluated: 2016-12-28. Review status: criteria provided, single submitter. Criteria: EGL Classification Definitions 2015. Collection method: clinical testing. Allele origin: germline. Observed: 2 variant alleles, 2 heterozygotes.

Vantari Genetics
Classification: Benign for Hereditary cancer-predisposing syndrome. Last evaluated: 2016-02-04. Review status: criteria provided, single submitter. Criteria: ACMG Guidelines, 2015. Collection method: clinical testing. Allele origin: germline.

GeneDx
Classification: Benign. Last evaluated: 2015-03-03. Review status: criteria provided, single submitter. Criteria: GeneDx Variant Classification Process June 2021. Collection method: clinical testing. Allele origin: germline. Affected: yes.
Comment: This variant is associated with the following publications: (PMID: 21542403)

Breakthrough Genomics
Classification: Benign. Review status: criteria provided, single submitter. Criteria: ACMG Guidelines, 2015. Collection method: not provided. Allele origin: germline. Inheritance: Autosomal dominant inheritance. Affected: yes.

PreventionGenetics, part of Exact Sciences
Classification: Benign. Review status: criteria provided, single submitter. Criteria: ACMG Guidelines, 2015. Collection method: clinical testing. Allele origin: germline.

Counsyl
Classification: Benign for Multiple endocrine neoplasia type 2B. Last evaluated: 2016-03-28. Review status: no assertion criteria provided. Collection method: clinical testing. Allele origin: unknown. Not counted in ClinVar's aggregate classification.

Counsyl
Classification: Benign for Multiple endocrine neoplasia type 2A. Last evaluated: 2016-03-28. Review status: no assertion criteria provided. Collection method: clinical testing. Allele origin: unknown. Not counted in ClinVar's aggregate classification.

Literature cited by the submitters: PubMed 21542403 (cited by Athena Diagnostics); PubMed 17270543 (cited by Athena Diagnostics).

NM_020975.6(RET):c.868-18G>A

Gene: RET (ret proto-oncogene; plus strand). Cytogenetic location: 10q11.21.
Variant type: single nucleotide variant.
Coding change: c.868-18G>A on transcript NM_020975.6 (MANE Select); 18 bases into the intron before coding-DNA position 868, G replaced by A.
Molecular consequence: intron variant.
Genome position (GRCh38, 1-based): chr10:43,106,358, G>A. VCF-style: chr10-43106358-G-A. GRCh37 (hg19) VCF-style: chr10-43601806-G-A.
Other names: c.868-18G>A (NM_020630.7, NM_001406743.1, NM_001406744.1 and 4 more transcripts); c.867+1165G>A (NM_001406772.1, NM_001406769.1); c.626-2673G>A (NM_001406773.1, NM_001406771.1); c.625+3729G>A (NM_001406782.1, NM_001406780.1, NM_001406779.1 and 3 more transcripts); c.739-18G>A (NM_001406764.1, NM_001406762.1, NM_001406761.1 and 1 more transcripts); c.738+1165G>A (NM_001406774.1); c.496+3729G>A (NM_001406786.1, NM_001406783.1); c.580-18G>A (NM_001406770.1, NM_001406766.1, NM_001406767.1); and 5 more.
Identifiers: ClinVar variation 220722 (VCV000220722.71), dbSNP rs57098408, ClinGen allele CA045256.